The following is an entry in ClinVar:

ClinVar aggregate classification (germline): Uncertain significance (1 of 4 stars; one submission).

Conditions:
Epidermolysis bullosa simplex with nail dystrophy (EBS5D). Identifiers: MedGen C4225309, MONDO:0014661, OMIM 616487.
Epidermolysis bullosa simplex, Ogna type (EBS5A). Also called: Pidermolysis bullosa simplex 5A, Ogna type; EPIDERMOLYSIS BULLOSA SIMPLEX 5A, OGNA TYPE. Identifiers: Orphanet 79401, MedGen C0432317, MONDO:0007555, OMIM 131950.
Autosomal recessive limb-girdle muscular dystrophy type 2Q (LGMDR17). Also called: MUSCULAR DYSTROPHY, LIMB-GIRDLE, AUTOSOMAL RECESSIVE 17. Identifiers: Orphanet 254361, MedGen C3150989, MONDO:0013390, OMIM 613723.
Epidermolysis bullosa simplex 5B, with muscular dystrophy (EBS5B). Also called: EPIDERMOLYSIS BULLOSA SIMPLEX AND LIMB-GIRDLE MUSCULAR DYSTROPHY; Epidermolysis bullosa simplex with muscular dystrophy. Identifiers: Orphanet 257, MedGen C2931072, MONDO:0009181, OMIM 226670.
Epidermolysis bullosa simplex 5C, with pyloric atresia (EBS5C). Also called: PLEC-Related Epidermolysis Bullosa with Pyloric Atresia; Epidermolysis bullosa simplex with pyloric atresia; PLEC1-Related Epidermolysis Bullosa with Pyloric Atresia. Identifiers: Orphanet 158684, MedGen C2677349, MONDO:0012807, OMIM 612138.

Submission:

Labcorp Genetics (formerly Invitae), Labcorp
Classification: Uncertain significance for Autosomal recessive limb-girdle muscular dystrophy type 2Q; Epidermolysis bullosa simplex, Ogna type; Epidermolysis bullosa simplex with nail dystrophy; Epidermolysis bullosa simplex 5C, with pyloric atresia; Epidermolysis bullosa simplex 5B, with muscular dystrophy. Last evaluated: 2024-04-12. Review status: criteria provided, single submitter. Criteria: Invitae Variant Classification Sherloc (09022015). Collection method: clinical testing. Allele origin: germline.
Comment: This sequence change replaces glycine, which is neutral and non-polar, with glutamic acid, which is acidic and polar, at codon 4047 of the PLEC protein (p.Gly4047Glu). This variant is not present in population databases (gnomAD no frequency). This variant has not been reported in the literature in individuals affected with PLEC-related conditions. Advanced modeling of protein sequence and biophysical properties (such as structural, functional, and spatial information, amino acid conservation, physicochemical variation, residue mobility, and thermodynamic stability) has been performed at Invitae for this missense variant, however the output from this modeling did not meet the statistical confidence thresholds required to predict the impact of this variant on PLEC protein function. In summary, the available evidence is currently insufficient to determine the role of this variant in disease. Therefore, it has been classified as a Variant of Uncertain Significance.

NM_201384.3(PLEC):c.12059G>A (p.Gly4020Glu)

Gene: PLEC (plectin; minus strand). Cytogenetic location: 8q24.3.
Variant type: single nucleotide variant.
Coding change: c.12059G>A on transcript NM_201384.3 (MANE Select); coding-DNA position 12059, G replaced by A.
Protein change: p.Gly4020Glu; replaces glycine 4020 with glutamic acid.
Molecular consequence: missense variant.
Genome position (GRCh38, 1-based): chr8:143,917,762, C>T on the plus strand (G>A on the coding strand, the complement: PLEC is on the minus strand). VCF-style: chr8-143917762-C-T. GRCh37 (hg19) VCF-style: chr8-144991930-C-T.
Other names: c.12140G>A, p.Gly4047Glu (NM_000445.5); c.8759G>A, p.Gly2920Glu (NM_001410941.1); c.12017G>A, p.Gly4006Glu (NM_201378.4); c.11993G>A, p.Gly3998Glu (NM_201379.3); c.12470G>A, p.Gly4157Glu (NM_201380.4); c.11963G>A, p.Gly3988Glu (NM_201381.3); c.12059G>A, p.Gly4020Glu (NM_201382.4); c.12071G>A, p.Gly4024Glu (NM_201383.3); short protein forms G2920E, G3988E, G3998E, G4006E, G4020E, G4024E, G4047E, G4157E.
Identifiers: ClinVar variation 3754343 (VCV003754343.2).
Genomic context (GRCh38, chr8:143,917,762, plus strand): 5'-ATGCCATGGTCCTTCAGGATCAGGCCCTTCTTCATGGCCTGGAAGAGGGAGATGAGCTTC[C>T]CAGAGTAGGGGTCCTTGTACCCAGTGACGGCGCGCTCGGCCGACAGCAGCTTGTCCTTGA-3'
Protein context (NP_958786.1, residues 4010-4030): AVTGYKDPYS[Gly4020Glu]KLISLFQAMK